The following is an entry in ClinVar:

ClinVar aggregate classification (germline): Conflicting classifications of pathogenicity. Review status: criteria provided, conflicting classifications (1 of 4 stars). 5 submissions from 5 submitters: Uncertain significance (3); Benign (1); Likely benign (1). Last evaluated 2026-06-30.

Conditions:
SETX-related disorder. Also called: SETX-related disorders; SETX-related condition. Identifiers: MedGen CN239403.
Inborn genetic diseases. Identifiers: MedGen C0950123, MeSH D030342.
Amyotrophic lateral sclerosis type 4 (ALS4). Also called: AMYOTROPHIC LATERAL SCLEROSIS 4, JUVENILE; NEURONOPATHY, DISTAL HEREDITARY MOTOR, WITH PYRAMIDAL FEATURES. Identifiers: Orphanet 357043, MedGen C1865409, MONDO:0011223, OMIM 602433.
Spinocerebellar ataxia, autosomal recessive, with axonal neuropathy 2 (SCAN2). Also called: Ataxia with Oculomotor Apraxia; Ataxia with Oculomotor Apraxia Type 2; ATAXIA-OCULOMOTOR APRAXIA 2; Ataxia-ocular apraxia-2. Identifiers: Orphanet 64753, MedGen C1853761, MONDO:0018996, OMIM 606002.

Allele frequency attached by ClinVar (database versions not stated): gnomAD 0.00001; TOPMed 0.00003; gnomAD exomes 0.00004.

Submissions (5):

PreventionGenetics, part of Exact Sciences
Classification: Uncertain significance for SETX-related condition. Last evaluated: 2026-06-30. Review status: criteria provided, single submitter. Criteria: ACMG Guidelines, 2015. Collection method: clinical testing. Allele origin: germline.
Comment: The SETX c.245G>A variant is predicted to result in the amino acid substitution p.Gly82Glu. To our knowledge, this variant has not been reported in the literature. This variant is reported in 0.010% of alleles in individuals of European (non-Finnish) descent in gnomAD. At this time, the clinical significance of this variant is uncertain due to the absence of conclusive functional and genetic evidence.

GeneDx
Classification: Uncertain significance. Last evaluated: 2025-07-05. Review status: criteria provided, single submitter. Criteria: GeneDx Variant Classification Process June 2021. Collection method: clinical testing. Allele origin: germline.
Comment: In silico analysis suggests that this missense variant does not alter protein structure/function; Has not been previously published as pathogenic or benign to our knowledge

Labcorp Genetics (formerly Invitae), Labcorp
Classification: Benign for Amyotrophic lateral sclerosis type 4; Spinocerebellar ataxia, autosomal recessive, with axonal neuropathy 2. Last evaluated: 2025-05-19. Review status: criteria provided, single submitter. Criteria: Invitae Variant Classification Sherloc (09022015). Collection method: clinical testing. Allele origin: germline.

Revvity Omics, Revvity
Classification: Uncertain significance. Last evaluated: 2024-06-07. Review status: criteria provided, single submitter. Criteria: ACMG Guidelines, 2015. Collection method: clinical testing. Allele origin: germline.

Ambry Genetics
Classification: Likely benign for Inborn genetic diseases. Last evaluated: 2021-04-27. Review status: criteria provided, single submitter. Criteria: Ambry Variant Classification Scheme 2023. Collection method: clinical testing. Allele origin: germline.

NM_015046.7(SETX):c.245G>A (p.Gly82Glu)

Gene: SETX (senataxin; minus strand). Cytogenetic location: 9q34.13.
Variant type: single nucleotide variant.
Coding change: c.245G>A on transcript NM_015046.7 (MANE Select); coding-DNA position 245, G replaced by A.
Protein change: p.Gly82Glu; replaces glycine 82 with glutamic acid.
Molecular consequence: missense variant.
Genome position (GRCh38, 1-based): chr9:132,346,404, C>T on the plus strand (G>A on the coding strand, the complement: SETX is on the minus strand). VCF-style: chr9-132346404-C-T. GRCh37 (hg19) VCF-style: chr9-135221791-C-T.
Other names: c.245G>A, p.Gly82Glu (NM_001351527.2, NM_001351528.2); short protein forms G82E.
Identifiers: ClinVar variation 1058074 (VCV001058074.12), dbSNP rs201864041, ClinGen allele CA5298096.